The following is an entry in ClinVar:

ClinVar aggregate classification (germline): Uncertain significance (1 of 4 stars; one submission).

Conditions:
Hereditary cancer-predisposing syndrome. Also called: Hereditary Cancer Syndrome; Hereditary neoplastic syndrome; Neoplastic Syndromes, Hereditary; Tumor predisposition. Identifiers: Orphanet 140162, MedGen C0027672, MeSH D009386, MONDO:0015356.

Submission:

Sema4
Classification: Uncertain significance for Hereditary cancer-predisposing syndrome. Last evaluated: 2021-07-12. Review status: criteria provided, single submitter. Criteria: Sema4 Curation Guidelines. Collection method: curation. Allele origin: germline.
Comment: The RAD51D c.576+5delG variant has not been reported in the literature to our knowledge. It was not observed in the large and broad cohorts of the Genome Aggregation Database (PMID: 32461654). The variant has not been reported in ClinVar. In silico tools suggest that the variant may impact splicing, though these predictions have not been confirmed by functional studies. The evidence is insufficient to meet ACMG/AMP criteria for classifying the variant as benign or pathogenic. Thus, the clinical significance of this variant is currently uncertain.

NM_002878.4(RAD51D):c.576+5del

Genes: RAD51L3-RFFL (RAD51L3-RFFL readthrough; minus strand), RAD51D (RAD51 paralog D; minus strand). Cytogenetic location: 17q12.
Variant type: Deletion.
Coding change: c.576+5del on transcript NM_002878.4 (MANE Select); 5 bases into the intron after coding-DNA position 576, one base deleted (G; older notation c.576+5delG).
Molecular consequence: intron variant.
Genome position (GRCh38, 1-based): chr17:35,106,381, C deleted on the plus strand (G on the coding strand, the reverse complement: RAD51D is on the minus strand). VCF-style (leftmost placement, unchanged base first): chr17-35106380-GC-G. GRCh37 (hg19) VCF-style: chr17-33433399-GC-G.
Other names: c.240+5del (NM_133629.3); c.636+5del (NM_001142571.2).
Identifiers: ClinVar variation 1692732 (VCV001692732.1), dbSNP rs2142428740, ClinGen allele CA2573153496.